The following is an entry in ClinVar:

NM_005559.4(LAMA1):c.5338C>A (p.His1780Asn)

Gene: LAMA1 (laminin subunit alpha 1; minus strand). Cytogenetic location: 18p11.31.
Variant type: single nucleotide variant.
Coding change: c.5338C>A on transcript NM_005559.4 (MANE Select); coding-DNA position 5338, C replaced by A.
Protein change: p.His1780Asn; replaces histidine 1780 with asparagine.
Molecular consequence: missense variant.
Genome position (GRCh38, 1-based): chr18:6,986,178, G>T on the plus strand (C>A on the coding strand, the complement: LAMA1 is on the minus strand). VCF-style: chr18-6986178-G-T. GRCh37 (hg19) VCF-style: chr18-6986177-G-T.
Other names: short protein forms H1780N.
Identifiers: ClinVar variation 2444668 (VCV002444668.3), dbSNP rs903139483, ClinGen allele CA295759762.
Genomic context (GRCh38, chr18:6,986,178, plus strand): 5'-GAGAGCAAGTGAGACTCACACTGAATTCTCTCAGATTAGCATTGACCATGAGCAGCAGGT[G>T]GTTGCTTTCCTGCATCTTTGCCTCAGCTTCCCTCACGAGCGCCTCAGCCGCCTTTAGTTC-3'
Protein context (NP_005550.2, residues 1770-1790): EAEAKMQESN[His1780Asn]LLLMVNANLR

ClinVar aggregate classification (germline): Uncertain significance. Review status: criteria provided, multiple submitters, no conflicts (2 of 4 stars). 2 submissions from 2 submitters: Uncertain significance (2). Last evaluated 2025-02-07.

Conditions:
Inborn genetic diseases. Identifiers: MedGen C0950123, MeSH D030342.

Allele frequency attached by ClinVar (database versions not stated): TOPMed below 0.00001; gnomAD 0.00001; gnomAD exomes 0.00001.
gnomAD v4.1: 5 of 1,614,206 alleles (0.00031%); highest among the groups gnomAD compares: Admixed American, 0.0017%; no homozygotes.

Submissions (2):

Ambry Genetics
Classification: Uncertain significance for Inborn genetic diseases. Last evaluated: 2025-02-07. Review status: criteria provided, single submitter. Criteria: Ambry Variant Classification Scheme 2023. Collection method: clinical testing. Allele origin: germline.

GeneDx
Classification: Uncertain significance. Last evaluated: 2023-04-13. Review status: criteria provided, single submitter. Criteria: GeneDx Variant Classification Process June 2021. Collection method: clinical testing. Allele origin: germline.
Comment: Not observed at significant frequency in large population cohorts (gnomAD); In silico analysis supports that this missense variant does not alter protein structure/function; Has not been previously published as pathogenic or benign to our knowledge